The following is an entry in ClinVar:

ClinVar aggregate classification (germline): Likely benign (1 of 4 stars; one submission).

Allele frequency attached by ClinVar (database versions not stated): gnomAD exomes 0.00069; ExAC 0.00118; ESP Exome Variant Server 0.00208; gnomAD 0.00220; 1000 Genomes Project 0.00240; 1000 Genomes Project 30x 0.00265; TOPMed 0.00300.
gnomAD v4.1: 1,448 of 1,613,698 alleles (0.09%); highest among the groups gnomAD compares: African/African-American, 0.62%; 8 homozygotes.

Submission:

CeGaT Center for Human Genetics Tuebingen
Classification: Likely benign. Last evaluated: 2022-05-01. Review status: criteria provided, single submitter. Criteria: CeGaT Center For Human Genetics Tuebingen Variant Classification Criteria Version 2. Collection method: clinical testing. Allele origin: germline. Affected: yes. Observed: 1 variant allele.
Comment: NMUR1: BP4, BP7

NM_006056.5(NMUR1):c.1023C>T (p.Ser341=)

Gene: NMUR1 (neuromedin U receptor 1; minus strand). Cytogenetic location: 2q37.1.
Variant type: single nucleotide variant.
Coding change: c.1023C>T on transcript NM_006056.5 (MANE Select); coding-DNA position 1023, C replaced by T.
Protein change: p.Ser341=; no amino-acid change (serine 341 retained).
Molecular consequence: synonymous variant.
Genome position (GRCh38, 1-based): chr2:231,525,301, G>A on the plus strand (C>T on the coding strand, the complement: NMUR1 is on the minus strand). VCF-style: chr2-231525301-G-A. GRCh37 (hg19) VCF-style: chr2-232390012-G-A.
Identifiers: ClinVar variation 2652001 (VCV002652001.24), dbSNP rs150534370, ClinGen allele CA2162187.
Genomic context (GRCh38, chr2:231,525,301, plus strand): 5'-GCTGGACATGAGGCTATAGAGCACGGGGTTGGCCGCCGAGCCCAGGTAGAAGAAGATGCC[G>A]GAGATGACGTGCACGTGCTGGAAGGCCAGGTGCAGGCCATCTGTCCACTGTGACACGACG-3'
Protein context (NP_006047.3, residues 331-351): HLAFQHVHVI[Ser341=]GIFFYLGSAA